The following is an entry in ClinVar:

NM_000512.5(GALNS):c.121-4G>A

Gene: GALNS (galactosamine (N-acetyl)-6-sulfatase; minus strand). Cytogenetic location: 16q24.3.
Variant type: single nucleotide variant.
Coding change: c.121-4G>A on transcript NM_000512.5 (MANE Select); 4 bases into the intron before coding-DNA position 121, G replaced by A.
Molecular consequence: intron variant.
Genome position (GRCh38, 1-based): chr16:88,842,833, C>T on the plus strand (G>A on the coding strand, the complement: GALNS is on the minus strand). VCF-style: chr16-88842833-C-T. GRCh37 (hg19) VCF-style: chr16-88909241-C-T.
Other names: c.-311-862G>A (NM_001323543.2); c.139-4G>A (NM_001323544.2).
Identifiers: ClinVar variation 321208 (VCV000321208.17), dbSNP rs200008960, ClinGen allele CA8235281.

ClinVar aggregate classification (germline): Conflicting classifications of pathogenicity. Review status: criteria provided, conflicting classifications (1 of 4 stars). 4 submissions from 4 submitters: Uncertain significance (1); Likely benign (2). 1 of the submissions does not count toward it. Last evaluated 2026-01-20.

Conditions:
GALNS-related disorder. Also called: GALNS-related condition.
Mucopolysaccharidosis, MPS-IV-A (MPS4A). Also called: Mucopolysaccharidosis type IV A; Mucopolysaccharidosis Type IVA; Morquio syndrome A, mild; MORQUIO SYNDROME A; MPS IVA; mucopolysaccharidosis type 4A. Identifiers: Orphanet 309297, Orphanet 582, MedGen C0086651, MONDO:0009659, OMIM 253000.

Allele frequency attached by ClinVar (database versions not stated): ExAC 0.00018; gnomAD exomes 0.00021 and 0.00052; gnomAD 0.00027 and 0.00030; TOPMed 0.00030; ESP Exome Variant Server 0.00038.

Submissions (4):

Labcorp Genetics (formerly Invitae), Labcorp
Classification: Likely benign for Mucopolysaccharidosis, MPS-IV-A. Last evaluated: 2026-01-20. Review status: criteria provided, single submitter. Criteria: Invitae Variant Classification Sherloc (09022015). Collection method: clinical testing. Allele origin: germline.

Genome-Nilou Lab
Classification: Likely benign for Mucopolysaccharidosis, MPS-IV-A. Last evaluated: 2021-11-07. Review status: criteria provided, single submitter. Criteria: ACMG Guidelines, 2015. Collection method: clinical testing. Allele origin: germline. Affected: no.

Illumina Laboratory Services, Illumina
Classification: Uncertain significance for Mucopolysaccharidosis, MPS-IV-A. Last evaluated: 2018-01-13. Review status: criteria provided, single submitter. Criteria: ICSL Variant Classification Criteria 13 December 2019. Collection method: clinical testing. Allele origin: germline.

PreventionGenetics, part of Exact Sciences
Classification: Likely benign for GALNS-related condition. Last evaluated: 2019-07-12. Review status: no assertion criteria provided. Collection method: clinical testing. Allele origin: germline. Not counted in ClinVar's aggregate classification.
Comment: This variant is classified as likely benign based on ACMG/AMP sequence variant interpretation guidelines (Richards et al. 2015 PMID: 25741868, with internal and published modifications).